The following is an entry in ClinVar:

NM_002497.4(NEK2):c.985C>T (p.Gln329Ter)

Gene: NEK2 (NIMA related kinase 2; minus strand). Cytogenetic location: 1q32.3.
Variant type: single nucleotide variant.
Coding change: c.985C>T on transcript NM_002497.4 (MANE Select); coding-DNA position 985, C replaced by T.
Protein change: p.Gln329Ter; replaces glutamine 329 with a stop codon.
Molecular consequence: nonsense.
Genome position (GRCh38, 1-based): chr1:211,669,113, G>A on the plus strand (C>T on the coding strand, the complement: NEK2 is on the minus strand). VCF-style: chr1-211669113-G-A. GRCh37 (hg19) VCF-style: chr1-211842455-G-A.
Other names: c.985C>T, p.Gln329Ter (NM_001204182.2, NM_001204183.2); short protein forms Q329*.
Identifiers: ClinVar variation 1491063 (VCV001491063.6), dbSNP rs140995957, ClinGen allele CA1381548.
Genomic context (GRCh38, chr1:211,669,113, plus strand): 5'-GACACATCAAAATAACCCACTTGGTAGTTCTCCTTTGCTTTGACCCCCATTCAGACTTAC[G>A]CTCCAATCTTTCTTCTCTTGCTTTGAGAGCTCGCTCTCGCTCCTGTAACTGAATTTCCTT-3'

ClinVar aggregate classification (germline): Uncertain significance (1 of 4 stars; one submission).

Allele frequency attached by ClinVar (database versions not stated): gnomAD 0.00003 and 0.00004; gnomAD exomes 0.00003; TOPMed 0.00004; ESP Exome Variant Server 0.00008.
gnomAD v4.1: 40 of 1,613,226 alleles (0.0025%); highest among the groups gnomAD compares: African/African-American, 0.0053%; no homozygotes.

Submission:

Labcorp Genetics (formerly Invitae), Labcorp
Classification: Uncertain significance. Last evaluated: 2025-12-17. Review status: criteria provided, single submitter. Criteria: Invitae Variant Classification Sherloc (09022015). Collection method: clinical testing. Allele origin: germline.
Comment: This sequence change creates a premature translational stop signal (p.Gln329*) in the NEK2 gene. It is expected to result in an absent or disrupted protein product. However, the current clinical and genetic evidence is not sufficient to establish whether loss-of-function variants in NEK2 cause disease. This variant is present in population databases (rs140995957, gnomAD 0.01%). This variant has not been reported in the literature in individuals affected with NEK2-related conditions. ClinVar contains an entry for this variant (Variation ID: 1491063). In summary, the available evidence is currently insufficient to determine the role of this variant in disease. Therefore, it has been classified as a Variant of Uncertain Significance.